The following is an entry in ClinVar:

NM_003001.5(SDHC):c.215G>T (p.Arg72Leu)

Gene: SDHC (succinate dehydrogenase complex subunit C; plus strand). Cytogenetic location: 1q23.3.
Variant type: single nucleotide variant.
Coding change: c.215G>T on transcript NM_003001.5 (MANE Select); coding-DNA position 215, G replaced by T.
Protein change: p.Arg72Leu; replaces arginine 72 with leucine.
Molecular consequence: missense variant.
Genome position (GRCh38, 1-based): chr1:161,340,629, G>T. VCF-style: chr1-161340629-G-T. GRCh37 (hg19) VCF-style: chr1-161310419-G-T.
Other names: c.215G>T, p.Arg72Leu (NM_001035511.3); c.113G>T, p.Arg38Leu (NM_001035512.3, NM_001278172.3, NM_001407118.1); c.56G>T, p.Arg19Leu (NM_001035513.3); c.335G>T, p.Arg112Leu (NM_001407115.1); c.158G>T, p.Arg53Leu (NM_001407116.1, NM_001407117.1, NM_001407121.1); c.104G>T, p.Arg35Leu (NM_001407119.1, NM_001407120.1); short protein forms R72L, R19L, R38L, R112L, R35L, R53L.
Identifiers: ClinVar variation 480787 (VCV000480787.6), dbSNP rs778582853, ClinGen allele CA343365932.

ClinVar aggregate classification (germline): Pathogenic (1 of 4 stars; one submission).

Conditions:
Hereditary cancer-predisposing syndrome. Also called: Hereditary Cancer Syndrome; Neoplastic Syndromes, Hereditary; Tumor predisposition; Hereditary neoplastic syndrome. Identifiers: Orphanet 140162, MedGen C0027672, MeSH D009386, MONDO:0015356.

Submission:

Ambry Genetics
Classification: Pathogenic for Hereditary cancer-predisposing syndrome. Last evaluated: 2020-12-16. Review status: criteria provided, single submitter. Criteria: Ambry Variant Classification Scheme 2023. Collection method: clinical testing. Allele origin: germline.
Comment: The p.R72L pathogenic mutation (also known as c.215G>T), located in coding exon 4 of the SDHC gene, results from a G to T substitution at nucleotide position 215. The arginine at codon 72 is replaced by leucine, an amino acid with dissimilar properties. Another alteration at the same codon, p.R72H (c.215G>A), has been described in multiple individuals with a paraganglioma (Burnichon N et al. J Clin Endocrinol Metab, 2009 Aug;94:2817-27; Buffet A et al. Horm Metab Res, 2012 May;44:359-66; Gupta S et al. Endocr Pathol, 2016 Sep;27:243-52). Based on internal structural analysis, p.R72L disrupts the catalytic function of succinate dehydrogenase, via impacts on quinone binding and/or reduction to quinol (Sun F et al. Cell, 2005 Jul;121:1043-57; Lemarie A et al. Mitochondrion, 2009 Jul;9:254-60; Kluckova K et al. Cell Death Dis, 2015 May;6:e1749). In addition, this alteration is predicted to be deleterious by in silico analysis. Based on the supporting evidence, this alteration is interpreted as a disease-causing mutation.

Literature cited by the submitters: PubMed 15989954; PubMed 19332149; PubMed 19454582; PubMed 22517557; PubMed 25950479; PubMed 27262318.